The following is an entry in ClinVar:

ClinVar aggregate classification (germline): Pathogenic (1 of 4 stars; one submission).

Conditions:
Bardet-Biedl syndrome (BBS). Identifiers: Orphanet 110, MedGen C0752166, MONDO:0015229.

Submission:

Labcorp Genetics (formerly Invitae), Labcorp
Classification: Pathogenic for Bardet-Biedl syndrome. Last evaluated: 2025-12-11. Review status: criteria provided, single submitter. Criteria: Invitae Variant Classification Sherloc (09022015). Collection method: clinical testing. Allele origin: germline.
Comment: This sequence change creates a premature translational stop signal (p.Lys454*) in the BBS4 gene. It is expected to result in an absent or disrupted protein product. Loss-of-function variants in BBS4 are known to be pathogenic (PMID: 11381270, 12016587, 20177705, 26355662, 27894351). This variant is not present in population databases (gnomAD no frequency). This variant has not been reported in the literature in individuals affected with BBS4-related conditions. Algorithms developed to predict the effect of sequence changes on RNA splicing suggest that this variant may disrupt the consensus splice site. For these reasons, this variant has been classified as Pathogenic.

Literature cited by the submitters: PubMed 11381270; PubMed 12016587; PubMed 20177705; PubMed 26355662; PubMed 27894351.

NM_033028.5(BBS4):c.1360A>T (p.Lys454Ter)

Gene: BBS4 (Bardet-Biedl syndrome 4; plus strand). Cytogenetic location: 15q24.1.
Variant type: single nucleotide variant.
Coding change: c.1360A>T on transcript NM_033028.5 (MANE Select); coding-DNA position 1360, A replaced by T.
Protein change: p.Lys454Ter; replaces lysine 454 with a stop codon.
Molecular consequence: nonsense. On other transcripts: non-coding transcript variant (2).
Genome position (GRCh38, 1-based): chr15:72,736,873, A>T. VCF-style: chr15-72736873-A-T. GRCh37 (hg19) VCF-style: chr15-73029214-A-T.
Other names: c.1291A>T, p.Lys431Ter (NM_001320665.2); c.844A>T, p.Lys282Ter (NM_001252678.2); short protein forms K454*, K282*, K431*.
Identifiers: ClinVar variation 4732984 (VCV004732984.1).
Genomic context (GRCh38, chr15:72,736,873, plus strand): 5'-CTGGTCTGGACCAAACCAGTTAAAGATCCCAAATCAAAGCACCAGACCACTTCAACCAGC[A>T]AACCTGCCAGTTTCCAGCAGCCTCTGGGCTCTAATCAAGCTCTAGGACAGGCAATGTCTT-3'